The following is an entry in ClinVar:

ClinVar aggregate classification (germline): Likely benign (0 of 4 stars; one submission).

Conditions:
BLTP1-related disorder. Also called: BLTP1-related condition.

Allele frequency attached by ClinVar (database versions not stated): gnomAD exomes 0.00001; gnomAD 0.00002; TOPMed 0.00005; ExAC 0.00008.
gnomAD v4.1: 17 of 1,581,682 alleles (0.0011%); highest among the groups gnomAD compares: East Asian, 0.034%; no homozygotes.

Submission:

PreventionGenetics, part of Exact Sciences
Classification: Likely benign for BLTP1-related condition. Last evaluated: 2021-03-31. Review status: no assertion criteria provided. Collection method: clinical testing. Allele origin: germline.
Comment: This variant is classified as likely benign based on ACMG/AMP sequence variant interpretation guidelines (Richards et al. 2015 PMID: 25741868, with internal and published modifications).

NM_001384125.1(BLTP1):c.1189T>C (p.Leu397=)

Gene: BLTP1 (bridge-like lipid transfer protein family member 1; plus strand). Cytogenetic location: 4q27.
Variant type: single nucleotide variant.
Coding change: c.1189T>C on transcript NM_001384125.1 (MANE Select); coding-DNA position 1189, T replaced by C.
Protein change: p.Leu397=; no amino-acid change (leucine 397 retained).
Molecular consequence: synonymous variant.
Genome position (GRCh38, 1-based): chr4:122,196,771, T>C. VCF-style: chr4-122196771-T-C. GRCh37 (hg19) VCF-style: chr4-123117926-T-C.
Other names: c.1189T>C, p.Leu397= (NM_015312.4).
Identifiers: ClinVar variation 3030203 (VCV003030203.2), dbSNP rs768283793, ClinGen allele CA3065542.
Genomic context (GRCh38, chr4:122,196,771, plus strand): 5'-CCAAGACAGATCCTTGCTTTTGAATTACGAATGAATATTATTGCAGATGCTACAATTGAT[T>C]TGCTGTTTACCAAAAATAGGGTAATTATTATAATAATATAGTAGAAAATAGTATTTAAAA-3'
Protein context (NP_001371054.1, residues 387-407): MNIIADATID[Leu397=]LFTKNRETNA